The following is an entry in ClinVar:

ClinVar aggregate classification (germline): Uncertain significance (1 of 4 stars; one submission).

Conditions:
EGFR-related lung cancer (EGFR). Identifiers: MedGen CN130014.

gnomAD v4.1: 1 of 1,614,238 alleles (0.000062%); highest among the groups gnomAD compares: South Asian, 0.0011%; no homozygotes.

Submission:

Labcorp Genetics (formerly Invitae), Labcorp
Classification: Uncertain significance for EGFR-related lung cancer. Last evaluated: 2024-12-23. Review status: criteria provided, single submitter. Criteria: Invitae Variant Classification Sherloc (09022015). Collection method: clinical testing. Allele origin: germline.
Comment: This sequence change replaces aspartic acid, which is acidic and polar, with glycine, which is neutral and non-polar, at codon 388 of the EGFR protein (p.Asp388Gly). This variant is not present in population databases (gnomAD no frequency). This variant has not been reported in the literature in individuals affected with EGFR-related conditions. Invitae Evidence Modeling of protein sequence and biophysical properties (such as structural, functional, and spatial information, amino acid conservation, physicochemical variation, residue mobility, and thermodynamic stability) indicates that this missense variant is not expected to disrupt EGFR protein function with a negative predictive value of 80%. In summary, the available evidence is currently insufficient to determine the role of this variant in disease. Therefore, it has been classified as a Variant of Uncertain Significance.

NM_005228.5(EGFR):c.1163A>G (p.Asp388Gly)

Genes: EGFR (epidermal growth factor receptor; plus strand), LOC126860048 (P300/CBP strongly-dependent group 1 enhancer GRCh37_chr7:55223847-55225046; plus strand). Cytogenetic location: 7p11.2.
Variant type: single nucleotide variant.
Coding change: c.1163A>G on transcript NM_005228.5 (MANE Select); coding-DNA position 1163, A replaced by G.
Protein change: p.Asp388Gly; replaces aspartic acid 388 with glycine.
Molecular consequence: missense variant.
Genome position (GRCh38, 1-based): chr7:55,156,788, A>G. VCF-style: chr7-55156788-A-G. GRCh37 (hg19) VCF-style: chr7-55224481-A-G.
Other names: c.1028A>G, p.Asp343Gly (NM_001346897.2, NM_001346899.2); c.1163A>G, p.Asp388Gly (NM_001346898.2, NM_201282.2, NM_201283.2 and 1 more transcripts); c.1004A>G, p.Asp335Gly (NM_001346900.2); c.362A>G, p.Asp121Gly (NM_001346941.2); short protein forms D388G, D335G, D121G, D343G.
Identifiers: ClinVar variation 3666318 (VCV003666318.2).